The following is an entry in ClinVar:

ClinVar aggregate classification (germline): Uncertain significance. Review status: criteria provided, multiple submitters, no conflicts (2 of 4 stars). 2 submissions from 2 submitters: Uncertain significance (2). Last evaluated 2024-05-13.

Conditions:
Inborn genetic diseases. Identifiers: MedGen C0950123, MeSH D030342.

Allele frequency attached by ClinVar (database versions not stated): gnomAD exomes 0.00001; ExAC 0.00001; gnomAD 0.00001; ESP Exome Variant Server 0.00008.
gnomAD v4.1: 13 of 1,613,822 alleles (0.00081%); highest among the groups gnomAD compares: South Asian, 0.0022%; no homozygotes.

Submissions (2):

Ambry Genetics
Classification: Uncertain significance for Inborn genetic diseases. Last evaluated: 2024-05-13. Review status: criteria provided, single submitter. Criteria: Ambry Variant Classification Scheme 2023. Collection method: clinical testing. Allele origin: germline.

GeneDx
Classification: Uncertain significance. Last evaluated: 2019-09-13. Review status: criteria provided, single submitter. Criteria: GeneDx Variant Classification Process June 2021. Collection method: clinical testing. Allele origin: germline. Affected: yes.
Comment: Not observed at a significant frequency in large population cohorts (Lek et al., 2016); In silico analysis, which includes protein predictors and evolutionary conservation, supports a deleterious effect; Has not been previously published as pathogenic or benign to our knowledge

NM_015386.3(COG4):c.1948G>A (p.Asp650Asn)

Gene: COG4 (component of oligomeric golgi complex 4; minus strand). Cytogenetic location: 16q22.1.
Variant type: single nucleotide variant.
Coding change: c.1948G>A on transcript NM_015386.3 (MANE Select); coding-DNA position 1948, G replaced by A.
Protein change: p.Asp650Asn; replaces aspartic acid 650 with asparagine.
Molecular consequence: missense variant. On other transcripts: non-coding transcript variant (1).
Genome position (GRCh38, 1-based): chr16:70,482,148, C>T on the plus strand (G>A on the coding strand, the complement: COG4 is on the minus strand). VCF-style: chr16-70482148-C-T. GRCh37 (hg19) VCF-style: chr16-70516051-C-T.
Other names: c.1873G>A, p.Asp625Asn (NM_001195139.2); c.1522G>A, p.Asp508Asn (NM_001365426.1); short protein forms D650N, D625N, D508N.
Identifiers: ClinVar variation 430188 (VCV000430188.4), dbSNP rs372849778, ClinGen allele CA8144109.